The following is an entry in ClinVar:

ClinVar aggregate classification (germline): Conflicting classifications of pathogenicity. Review status: criteria provided, conflicting classifications (1 of 4 stars). 3 submissions from 3 submitters: Likely pathogenic (1); Uncertain significance (2). Last evaluated 2025-03-10.

Conditions:
Myofibrillar myopathy 4. Also called: Zaspopathy (type). Identifiers: Orphanet 98912, MedGen C4721886, MONDO:0012277, OMIM 609452.

Submissions (3):

Labcorp Genetics (formerly Invitae), Labcorp
Classification: Likely pathogenic for Myofibrillar myopathy 4. Last evaluated: 2025-03-10. Review status: criteria provided, single submitter. Criteria: Invitae Variant Classification Sherloc (09022015). Collection method: clinical testing. Allele origin: germline.
Comment: The LDB3 gene has multiple clinically relevant transcripts. This variant occurs in alternate transcript NM_007078.2, and corresponds to NM_001080116.1:c.*19475_*19478del in the primary transcript. This sequence change affects a donor splice site in intron 12 of the LDB3 gene. It is expected to disrupt RNA splicing. Variants that disrupt the donor or acceptor splice site typically lead to a loss of protein function (PMID: 16199547), and loss-of-function variants in LDB3 are known to be pathogenic (PMID: 36253531). This variant is not present in population databases (gnomAD no frequency). This variant has not been reported in the literature in individuals affected with LDB3-related conditions. In summary, the currently available evidence indicates that the variant is pathogenic, but additional data are needed to prove that conclusively. Therefore, this variant has been classified as Likely Pathogenic.

Blueprint Genetics
Classification: Uncertain significance. Last evaluated: 2020-04-03. Review status: criteria provided, single submitter. Criteria: ACMG Guidelines, 2015. Collection method: clinical testing. Allele origin: germline.

GeneDx
Classification: Uncertain significance. Last evaluated: 2018-09-19. Review status: criteria provided, single submitter. Criteria: GeneDx Variant Classification (06012015). Collection method: clinical testing. Allele origin: germline. Affected: yes.
Comment: A variant of uncertain significance has been identified in the LDB3 gene. The c.1978+2_1978+5delTAGG variant has not been reported as a pathogenic or benign to our knowledge. This variant is not observed in large population cohorts (Lek et al., 2016). This 4 nucleotide deletion destroys the intron 11 splice donor site and is predicted to result in aberrant splicing. However, in the absence of functional mRNA studies, the physiological consequence of this variant cannot be precisely determined. In addition, the majority of reported pathogenic variants in the LDB3 gene are missense changes (Stenson et al., 2014). Therefore, based on the currently available information, it is unclear whether this variant is pathogenic or rare benign.

Literature cited by the submitters: PubMed 16199547 (cited by Labcorp Genetics (formerly Invitae), Labcorp); PubMed 36253531 (cited by Labcorp Genetics (formerly Invitae), Labcorp).

NM_007078.3(LDB3):c.1978+2_1978+5del

Gene: LDB3 (LIM domain binding 3; plus strand). Cytogenetic location: 10q23.2.
Variant type: Deletion.
Coding change: c.1978+2_1978+5del on transcript NM_007078.3 (MANE Select); the canonical splice donor site of the intron after coding-DNA position 1978 through 5 bases into the intron after coding-DNA position 1978, 4 bases deleted (TAGG; older notation c.1978+2_1978+5delTAGG).
Molecular consequence: splice donor variant.
Genome position (GRCh38, 1-based): chr10:86,718,849-86,718,852, TAGG deleted; deleting any 4 consecutive bases within chr10:86,718,846-86,718,852 gives the same sequence; the c. name uses the placement nearest the transcript's 3' end. VCF-style (leftmost placement, unchanged base first): chr10-86718845-AAGGT-A. GRCh37 (hg19) VCF-style: chr10-88478602-AAGGT-A.
Other names: c.1978+2_1978+5del (LRG_385t1); c.1789+2_1789+5del (NM_001368064.1, NM_001368065.1); c.1993+2_1993+5del (NM_001171610.2); c.1837+2_1837+5del (NM_001368066.1); c.1648+2_1648+5del (NM_001080114.2); c.1978+2_1978+5delTAGG (NM_007078.2).
Identifiers: ClinVar variation 503909 (VCV000503909.10), dbSNP rs1554864768, ClinGen allele CA658797458.